The following is an entry in ClinVar:

NM_012463.4(ATP6V0A2):c.2229T>C (p.Cys743=)

Gene: ATP6V0A2 (ATPase H+ transporting V0 subunit a2; plus strand). Cytogenetic location: 12q24.31.
Variant type: single nucleotide variant.
Coding change: c.2229T>C on transcript NM_012463.4 (MANE Select); coding-DNA position 2229, T replaced by C.
Protein change: p.Cys743=; no amino-acid change (cysteine 743 retained).
Molecular consequence: synonymous variant.
Genome position (GRCh38, 1-based): chr12:123,754,473, T>C. VCF-style: chr12-123754473-T-C. GRCh37 (hg19) VCF-style: chr12-124239020-T-C.
Identifiers: ClinVar variation 194862 (VCV000194862.58), dbSNP rs150508296, ClinGen allele CA241054.

ClinVar aggregate classification (germline): Conflicting classifications of pathogenicity. Review status: criteria provided, conflicting classifications (1 of 4 stars). 7 submissions from 7 submitters: Uncertain significance (1); Benign (2); Likely benign (3). 1 of the submissions does not count toward it. Last evaluated 2026-08-01.

Conditions:
ATP6V0A2-related disorder. Also called: ATP6V0A2-related condition.
ALG9 congenital disorder of glycosylation (CDG1L). Also called: CDG Il; CONGENITAL DISORDER OF GLYCOSYLATION, TYPE Il; ALG9-CDG. Identifiers: Orphanet 79328, MedGen C2931006, MONDO:0012117, OMIM 608776.

Allele frequency attached by ClinVar (database versions not stated): gnomAD 0.00073 and 0.00088; 1000 Genomes Project 30x 0.00078; TOPMed 0.00086; ESP Exome Variant Server 0.00092; 1000 Genomes Project 0.00100.
gnomAD v4.1: 1,748 of 1,614,196 alleles (0.11%); highest among the groups gnomAD compares: South Asian, 0.25%; 7 homozygotes.

Submissions (7):

CeGaT Center for Human Genetics Tuebingen
Classification: Likely benign. Last evaluated: 2026-08-01. Review status: criteria provided, single submitter. Criteria: CeGaT Center For Human Genetics Tuebingen Variant Classification Criteria Version 2. Collection method: clinical testing. Allele origin: germline. Affected: yes. Observed: 4 variant alleles.
Comment: ATP6V0A2: BP4, BP7

Labcorp Genetics (formerly Invitae), Labcorp
Classification: Benign for ALG9 congenital disorder of glycosylation. Last evaluated: 2026-02-02. Review status: criteria provided, single submitter. Criteria: Invitae Variant Classification Sherloc (09022015). Collection method: clinical testing. Allele origin: germline.

Blueprint Genetics
Classification: Likely benign. Last evaluated: 2024-11-19. Review status: criteria provided, single submitter. Criteria: ACMG Guidelines, 2015. Collection method: clinical testing. Allele origin: germline.

GeneDx
Classification: Likely benign. Last evaluated: 2020-09-23. Review status: criteria provided, single submitter. Criteria: GeneDx Variant Classification Process June 2021. Collection method: clinical testing. Allele origin: germline. Affected: yes.

Athena Diagnostics
Classification: Benign. Last evaluated: 2019-03-28. Review status: criteria provided, single submitter. Criteria: Athena Diagnostics Criteria. Collection method: clinical testing. Allele origin: germline.

Eurofins Ntd Llc (ga)
Classification: Uncertain significance. Last evaluated: 2015-05-22. Review status: criteria provided, single submitter. Criteria: EGL Classification Definitions 2015. Collection method: clinical testing. Allele origin: germline. Observed: 1 variant allele, 1 heterozygote.

PreventionGenetics, part of Exact Sciences
Classification: Likely benign for ATP6V0A2-related condition. Last evaluated: 2019-06-21. Review status: no assertion criteria provided. Collection method: clinical testing. Allele origin: germline. Not counted in ClinVar's aggregate classification.
Comment: This variant is classified as likely benign based on ACMG/AMP sequence variant interpretation guidelines (Richards et al. 2015 PMID: 25741868, with internal and published modifications).